The following is an entry in ClinVar:

NM_005881.4(BCKDK):c.364A>G (p.Ile122Val)

Gene: BCKDK (branched chain keto acid dehydrogenase kinase; plus strand). Cytogenetic location: 16p11.2.
Variant type: single nucleotide variant.
Coding change: c.364A>G on transcript NM_005881.4 (MANE Select); coding-DNA position 364, A replaced by G.
Protein change: p.Ile122Val; replaces isoleucine 122 with valine.
Molecular consequence: missense variant.
Genome position (GRCh38, 1-based): chr16:31,109,772, A>G. VCF-style: chr16-31109772-A-G. GRCh37 (hg19) VCF-style: chr16-31121093-A-G.
Other names: c.364A>G, p.Ile122Val (NM_001122957.4, NM_001271926.3); short protein forms I122V.
Identifiers: ClinVar variation 2499789 (VCV002499789.2), dbSNP rs2057394917, ClinGen allele CA395657036.

ClinVar aggregate classification (germline): Uncertain significance. Review status: criteria provided, multiple submitters, no conflicts (2 of 4 stars). 2 submissions from 2 submitters: Uncertain significance (2). Last evaluated 2022-11-08.

Conditions:
Branched-chain keto acid dehydrogenase kinase deficiency (BCKDKD). Also called: BCKDK DEFICIENCY. Identifiers: Orphanet 308410, MedGen C3554078, MONDO:0013970, OMIM 614923.

Allele frequency attached by ClinVar (database versions not stated): gnomAD exomes below 0.00001.
gnomAD v4.1: 2 of 1,613,596 alleles (0.00012%); highest among the groups gnomAD compares: Non-Finnish European, 0.00017%; no homozygotes.

Submissions (2):

Labcorp Genetics (formerly Invitae), Labcorp
Classification: Uncertain significance for Branched-chain keto acid dehydrogenase kinase deficiency. Last evaluated: 2022-11-08. Review status: criteria provided, single submitter. Criteria: Invitae Variant Classification Sherloc (09022015). Collection method: clinical testing. Allele origin: germline.
Comment: In summary, the available evidence is currently insufficient to determine the role of this variant in disease. Therefore, it has been classified as a Variant of Uncertain Significance. Advanced modeling of protein sequence and biophysical properties (such as structural, functional, and spatial information, amino acid conservation, physicochemical variation, residue mobility, and thermodynamic stability) performed at Invitae indicates that this missense variant is not expected to disrupt BCKDK protein function. This variant has not been reported in the literature in individuals affected with BCKDK-related conditions. This variant is not present in population databases (gnomAD no frequency). This sequence change replaces isoleucine, which is neutral and non-polar, with valine, which is neutral and non-polar, at codon 122 of the BCKDK protein (p.Ile122Val).

GeneDx
Classification: Uncertain significance. Last evaluated: 2022-10-24. Review status: criteria provided, single submitter. Criteria: GeneDx Variant Classification Process June 2021. Collection method: clinical testing. Allele origin: germline. Affected: yes.
Comment: Not observed at significant frequency in large population cohorts (gnomAD); In silico analysis supports that this missense variant does not alter protein structure/function; Has not been previously published as pathogenic or benign to our knowledge